The following is an entry in ClinVar:

ClinVar aggregate classification (germline): Uncertain significance (1 of 4 stars; one submission).

Submission:

Women's Health and Genetics/Laboratory Corporation of America, LabCorp
Classification: Uncertain significance. Last evaluated: 2022-11-02. Review status: criteria provided, single submitter. Criteria: LabCorp Variant Classification Summary - May 2015. Collection method: clinical testing. Allele origin: germline.
Comment: Variant summary: TTN c.2735G>T (p.Arg912Leu) results in a non-conservative amino acid change located in the Z disk region of the encoded protein sequence. Three of four in-silico tools predict a benign effect of the variant on protein function. The variant was absent in 251120 control chromosomes (gnomAD). The available data on variant occurrences in the general population are insufficient to allow any conclusion about variant significance. To our knowledge, no occurrence of c.2735G>T in individuals affected with Limb-Girdle Muscular Dystrophy, Type 2J and no experimental evidence demonstrating its impact on protein function have been reported. No clinical diagnostic laboratories have submitted clinical-significance assessments for this variant to ClinVar after 2014. Based on the evidence outlined above, the variant was classified as uncertain significance.

NM_001267550.2(TTN):c.2735G>T (p.Arg912Leu)

Gene: TTN (titin; minus strand). Cytogenetic location: 2q31.2.
Variant type: single nucleotide variant.
Coding change: c.2735G>T on transcript NM_001267550.2 (MANE Select); coding-DNA position 2735, G replaced by T.
Protein change: p.Arg912Leu; replaces arginine 912 with leucine.
Molecular consequence: missense variant.
Genome position (GRCh38, 1-based): chr2:178,784,110, C>A on the plus strand (G>T on the coding strand, the complement: TTN is on the minus strand). VCF-style: chr2-178784110-C-A. GRCh37 (hg19) VCF-style: chr2-179648837-C-A.
Other names: c.2735G>T, p.Arg912Leu (NM_001256850.1, NM_133378.4, NM_133379.5); c.2597G>T, p.Arg866Leu (NM_003319.4, NM_133432.3, NM_133437.4); short protein forms R866L, R912L.
Identifiers: ClinVar variation 1804848 (VCV001804848.1), dbSNP rs766770644, ClinGen allele CA349495010.